The following is an entry in ClinVar:

ClinVar aggregate classification (germline): Uncertain significance (1 of 4 stars; one submission).

Conditions:
Progressive microcephaly-seizures-cortical blindness-developmental delay syndrome. Also called: Seizures, cortical blindness, and microcephaly syndrome. Identifiers: Orphanet 477814, MedGen C5567650, MONDO:0014714, OMIM 616632.
Autosomal dominant nonsyndromic hearing loss 1. Also called: DEAFNESS, AUTOSOMAL DOMINANT 1, WITH OR WITHOUT THROMBOCYTOPENIA; KONIGSMARK SYNDROME. Identifiers: Orphanet 90635, MedGen C1852282, MONDO:0007424, OMIM 124900.

Submission:

Labcorp Genetics (formerly Invitae), Labcorp
Classification: Uncertain significance for Progressive microcephaly-seizures-cortical blindness-developmental delay syndrome; Autosomal dominant nonsyndromic hearing loss 1. Last evaluated: 2021-11-13. Review status: criteria provided, single submitter. Criteria: Invitae Variant Classification Sherloc (09022015). Collection method: clinical testing. Allele origin: germline.
Comment: This variant, c.1854_1856dup, results in the insertion of 1 amino acid(s) of the DIAPH1 protein (p.Pro620dup), but otherwise preserves the integrity of the reading frame. This variant is not present in population databases (gnomAD no frequency). This variant has not been reported in the literature in individuals affected with DIAPH1-related conditions. In summary, the available evidence is currently insufficient to determine the role of this variant in disease. Therefore, it has been classified as a Variant of Uncertain Significance.

NM_005219.5(DIAPH1):c.1854_1856dup (p.Pro620dup)

Gene: DIAPH1 (diaphanous related formin 1; minus strand). Cytogenetic location: 5q31.3.
Variant type: Duplication.
Coding change: c.1854_1856dup on transcript NM_005219.5 (MANE Select); coding-DNA positions 1854 to 1856, 3 bases duplicated (ACC; older notation c.1854_1856dupACC).
Protein change: p.Pro620dup; duplicates proline 620.
Molecular consequence: inframe insertion.
Genome position (GRCh38, 1-based): chr5:141,573,994-141,573,996, GGT duplicated on the plus strand (ACC on the coding strand, the reverse complement: DIAPH1 is on the minus strand); duplicating any 3 consecutive bases within chr5:141,573,994-141,573,998 gives the same sequence; the c. name uses the placement nearest the transcript's 3' end. VCF-style (leftmost placement, unchanged base first): chr5-141573993-A-AGGT. GRCh37 (hg19) VCF-style: chr5-140953560-A-AGGT.
Other names: c.1827_1829dup, p.Pro611dup (NM_001079812.3); c.1854_1856dup, p.Pro620dup (NM_001314007.2).
Identifiers: ClinVar variation 1393135 (VCV001393135.6), dbSNP rs2099895584, ClinGen allele CA1587248082.